The following is an entry in ClinVar:

NM_000368.5(TSC1):c.3236G>T (p.Gly1079Val)

Gene: TSC1 (TSC complex subunit 1; minus strand). Cytogenetic location: 9q34.13.
Variant type: single nucleotide variant.
Coding change: c.3236G>T on transcript NM_000368.5 (MANE Select); coding-DNA position 3236, G replaced by T.
Protein change: p.Gly1079Val; replaces glycine 1079 with valine.
Molecular consequence: missense variant. On other transcripts: non-coding transcript variant (5).
Genome position (GRCh38, 1-based): chr9:132,896,494, C>A on the plus strand (G>T on the coding strand, the complement: TSC1 is on the minus strand). VCF-style: chr9-132896494-C-A. GRCh37 (hg19) VCF-style: chr9-135771881-C-A.
Other names: c.3233G>T, p.Gly1078Val (NM_001162426.2, NM_001406597.1, NM_001406598.1 and 2 more transcripts); c.3083G>T, p.Gly1028Val (NM_001162427.2, NM_001406610.1); c.2873G>T, p.Gly958Val (NM_001362177.2, NM_001406614.1, NM_001406615.1 and 4 more transcripts); c.3236G>T, p.Gly1079Val (NM_001406592.1, NM_001406593.1, NM_001406594.1 and 2 more transcripts); c.3221G>T, p.Gly1074Val (NM_001406601.1, NM_001406602.1); c.3218G>T, p.Gly1073Val (NM_001406603.1, NM_001406604.1); c.3194G>T, p.Gly1065Val (NM_001406605.1, NM_001406606.1, NM_001406607.1); c.3191G>T, p.Gly1064Val (NM_001406608.1, NM_001406609.1); and 8 more; short protein forms G1028V, G728V, G1013V, G1027V, G1064V, G1073V, G1074V, G1079V.
Identifiers: ClinVar variation 3645728 (VCV003645728.2).
Genomic context (GRCh38, chr9:132,896,494, plus strand): 5'-TTATTACGAAATAACTCTCGAGCCTTCATACCCAGGAAGCTTTTTGAACTGGGAAGTGAG[C>A]CCACAGTGGTGGGGATGCTGGCAGACGCTTCTCCCATAGTCGTCTCCCACCGACTGCTGA-3'
Protein context (NP_000359.1, residues 1069-1089): EASASIPTTV[Gly1079Val]SLPSSKSFLG

ClinVar aggregate classification (germline): Uncertain significance (1 of 4 stars; one submission).

Conditions:
Tuberous sclerosis 1 (TSC1). Identifiers: Orphanet 805, MedGen C1854465, MONDO:0008612, OMIM 191100.

Submission:

Labcorp Genetics (formerly Invitae), Labcorp
Classification: Uncertain significance for Tuberous sclerosis 1. Last evaluated: 2024-03-13. Review status: criteria provided, single submitter. Criteria: Invitae Variant Classification Sherloc (09022015). Collection method: clinical testing. Allele origin: germline.
Comment: This sequence change replaces glycine, which is neutral and non-polar, with valine, which is neutral and non-polar, at codon 1079 of the TSC1 protein (p.Gly1079Val). This variant is not present in population databases (gnomAD no frequency). This variant has not been reported in the literature in individuals affected with TSC1-related conditions. Advanced modeling of protein sequence and biophysical properties (such as structural, functional, and spatial information, amino acid conservation, physicochemical variation, residue mobility, and thermodynamic stability) performed at Invitae indicates that this missense variant is not expected to disrupt TSC1 protein function with a negative predictive value of 95%. In summary, the available evidence is currently insufficient to determine the role of this variant in disease. Therefore, it has been classified as a Variant of Uncertain Significance.